The following is an entry in ClinVar:

NM_004977.3(KCNC3):c.1812C>T (p.Ser604=)

Gene: KCNC3 (potassium voltage-gated channel subfamily C member 3; minus strand). Cytogenetic location: 19q13.33.
Variant type: single nucleotide variant.
Coding change: c.1812C>T on transcript NM_004977.3 (MANE Select); coding-DNA position 1812, C replaced by T.
Protein change: p.Ser604=; no amino-acid change (serine 604 retained).
Molecular consequence: synonymous variant.
Genome position (GRCh38, 1-based): chr19:50,323,141, G>A on the plus strand (C>T on the coding strand, the complement: KCNC3 is on the minus strand). VCF-style: chr19-50323141-G-A. GRCh37 (hg19) VCF-style: chr19-50826398-G-A.
Other names: c.1584C>T, p.Ser528= (NM_001372305.1).
Identifiers: ClinVar variation 2650320 (VCV002650320.24), dbSNP rs2513798665, ClinGen allele CA508302745.

ClinVar aggregate classification (germline): Likely benign (1 of 4 stars; one submission).

Allele frequency attached by ClinVar (database versions not stated): gnomAD exomes below 0.00001.
gnomAD v4.1: 2 of 1,534,892 alleles (0.00013%); highest among the groups gnomAD compares: Non-Finnish European, 0.00017%; no homozygotes.

Submission:

CeGaT Center for Human Genetics Tuebingen
Classification: Likely benign. Last evaluated: 2022-07-01. Review status: criteria provided, single submitter. Criteria: CeGaT Center For Human Genetics Tuebingen Variant Classification Criteria Version 2. Collection method: clinical testing. Allele origin: germline. Affected: yes. Observed: 1 variant allele.
Comment: KCNC3: PM2:Supporting, BP4, BP7